The following is an entry in ClinVar:

NM_001164508.2(NEB):c.7769A>G (p.Lys2590Arg)

Gene: NEB (nebulin; minus strand). Cytogenetic location: 2q23.3.
Variant type: single nucleotide variant.
Coding change: c.7769A>G on transcript NM_001164508.2 (MANE Select); coding-DNA position 7769, A replaced by G.
Protein change: p.Lys2590Arg; replaces lysine 2590 with arginine.
Molecular consequence: missense variant.
Genome position (GRCh38, 1-based): chr2:151,644,005, T>C on the plus strand (A>G on the coding strand, the complement: NEB is on the minus strand). VCF-style: chr2-151644005-T-C. GRCh37 (hg19) VCF-style: chr2-152500519-T-C.
Other names: c.7769A>G, p.Lys2590Arg (NM_001164507.2, NM_001271208.2, NM_004543.5); c.7769A>G (NM_004543.4); short protein forms K2590R.
Identifiers: ClinVar variation 2053074 (VCV002053074.2), dbSNP rs543012140, ClinGen allele CA1909757.

ClinVar aggregate classification (germline): Uncertain significance. Review status: criteria provided, multiple submitters, no conflicts (2 of 4 stars). 2 submissions from 2 submitters: Uncertain significance (2). Last evaluated 2024-10-16.

Conditions:
Inborn genetic diseases. Identifiers: MedGen C0950123, MeSH D030342.
Nemaline myopathy 2 (NEM2). Also called: Nemaline myopathy 2, autosomal recessive. Identifiers: MedGen C1850569, MONDO:0009725, OMIM 256030.

Allele frequency attached by ClinVar (database versions not stated): gnomAD exomes 0.00001; ExAC 0.00002; gnomAD 0.00003; 1000 Genomes Project 30x 0.00016; 1000 Genomes Project 0.00020.
gnomAD v4.1: 14 of 1,613,994 alleles (0.00087%); highest among the groups gnomAD compares: Admixed American, 0.02%; no homozygotes.

Submissions (2):

Ambry Genetics
Classification: Uncertain significance for Inborn genetic diseases. Last evaluated: 2024-10-16. Review status: criteria provided, single submitter. Criteria: Ambry Variant Classification Scheme 2023. Collection method: clinical testing. Allele origin: germline.

Labcorp Genetics (formerly Invitae), Labcorp
Classification: Uncertain significance for Nemaline myopathy 2. Last evaluated: 2021-08-31. Review status: criteria provided, single submitter. Criteria: Invitae Variant Classification Sherloc (09022015). Collection method: clinical testing. Allele origin: germline.
Comment: This sequence change replaces lysine with arginine at codon 2590 of the NEB protein (p.Lys2590Arg). The lysine residue is moderately conserved and there is a small physicochemical difference between lysine and arginine. This variant is present in population databases (rs543012140, ExAC 0.02%). This variant has not been reported in the literature in individuals affected with NEB-related conditions. Algorithms developed to predict the effect of missense changes on protein structure and function are either unavailable or do not agree on the potential impact of this missense change (SIFT: "Deleterious"; PolyPhen-2: "Not Available"; Align-GVGD: "Class C0"). In summary, the available evidence is currently insufficient to determine the role of this variant in disease. Therefore, it has been classified as a Variant of Uncertain Significance.